The following is an entry in ClinVar:

NM_007327.4(GRIN1):c.688A>G (p.Thr230Ala)

Gene: GRIN1 (glutamate ionotropic receptor NMDA type subunit 1; plus strand). Cytogenetic location: 9q34.3.
Variant type: single nucleotide variant.
Coding change: c.688A>G on transcript NM_007327.4 (MANE Select); coding-DNA position 688, A replaced by G.
Protein change: p.Thr230Ala; replaces threonine 230 with alanine.
Molecular consequence: missense variant.
Genome position (GRCh38, 1-based): chr9:137,156,685, A>G. VCF-style: chr9-137156685-A-G. GRCh37 (hg19) VCF-style: chr9-140051137-A-G.
Other names: c.688A>G, p.Thr230Ala (NM_000832.7, NM_021569.4); c.751A>G, p.Thr251Ala (NM_001185090.2, NM_001185091.2); short protein forms T230A, T251A.
Identifiers: ClinVar variation 1484903 (VCV001484903.8), dbSNP rs2131271407, ClinGen allele CA375714650.
Genomic context (GRCh38, chr9:137,156,685, plus strand): 5'-GGGAGTGCTGGAGTCCTGGCCCGTCATCCCCGTCTGCCCCACAGCGAGGACGATGCTGCC[A>G]CTGTATACCGCGCAGCCGCGATGCTGAACATGACGGGCTCCGGGTACGTGTGGCTGGTCG-3'
Protein context (NP_015566.1, residues 220-240): ILSASEDDAA[Thr230Ala]VYRAAAMLNM

ClinVar aggregate classification (germline): Uncertain significance (1 of 4 stars; one submission).

Conditions:
Neurodevelopmental disorder with or without hyperkinetic movements and seizures, autosomal dominant. Also called: Intellectual disability, autosomal dominant 8. Identifiers: MedGen C3280282, MONDO:0013655, OMIM 614254.

Submission:

Labcorp Genetics (formerly Invitae), Labcorp
Classification: Uncertain significance for Neurodevelopmental disorder with or without hyperkinetic movements and seizures, autosomal dominant. Last evaluated: 2020-11-04. Review status: criteria provided, single submitter. Criteria: Invitae Variant Classification Sherloc (09022015). Collection method: clinical testing. Allele origin: germline.
Comment: This variant is not present in population databases (ExAC no frequency). This variant has not been reported in the literature in individuals with GRIN1-related conditions. Algorithms developed to predict the effect of missense changes on protein structure and function (SIFT, PolyPhen-2, Align-GVGD) all suggest that this variant is likely to be tolerated, but these predictions have not been confirmed by published functional studies and their clinical significance is uncertain. In summary, the available evidence is currently insufficient to determine the role of this variant in disease. Therefore, it has been classified as a Variant of Uncertain Significance. This sequence change replaces threonine with alanine at codon 230 of the GRIN1 protein (p.Thr230Ala). The threonine residue is moderately conserved and there is a small physicochemical difference between threonine and alanine.